The following is an entry in ClinVar:

ClinVar aggregate classification (germline): Uncertain significance (1 of 4 stars; one submission).

Allele frequency attached by ClinVar (database versions not stated): gnomAD exomes below 0.00001.
gnomAD v4.1: 2 of 1,570,886 alleles (0.00013%); highest among the groups gnomAD compares: Non-Finnish European, 0.000086%; no homozygotes.

Submission:

Greenwood Genetic Center Diagnostic Laboratories, Greenwood Genetic Center
Classification: Uncertain significance. Last evaluated: 2022-10-13. Review status: criteria provided, single submitter. Criteria: ACMG Guidelines, 2015. Collection method: clinical testing. Allele origin: germline. Affected: yes.
Comment: PM2, BP4

NM_015557.3(CHD5):c.4260+8C>T

Gene: CHD5 (chromodomain helicase DNA binding protein 5; minus strand). Cytogenetic location: 1p36.31.
Variant type: single nucleotide variant.
Coding change: c.4260+8C>T on transcript NM_015557.3 (MANE Select); 8 bases into the intron after coding-DNA position 4260, C replaced by T.
Molecular consequence: intron variant.
Genome position (GRCh38, 1-based): chr1:6,125,516, G>A on the plus strand (C>T on the coding strand, the complement: CHD5 is on the minus strand). VCF-style: chr1-6125516-G-A. GRCh37 (hg19) VCF-style: chr1-6185576-G-A.
Identifiers: ClinVar variation 2429073 (VCV002429073.4), dbSNP rs1557543154, ClinGen allele CA1151349241.